The following is an entry in ClinVar:

NM_000090.4(COL3A1):c.937C>A (p.Leu313Ile)

Gene: COL3A1 (collagen type III alpha 1 chain; plus strand). Cytogenetic location: 2q32.2.
Variant type: single nucleotide variant.
Coding change: c.937C>A on transcript NM_000090.4 (MANE Select); coding-DNA position 937, C replaced by A.
Protein change: p.Leu313Ile; replaces leucine 313 with isoleucine.
Molecular consequence: missense variant.
Genome position (GRCh38, 1-based): chr2:188,991,708, C>A. VCF-style: chr2-188991708-C-A. GRCh37 (hg19) VCF-style: chr2-189856434-C-A.
Other names: p.Leu313Ile; short protein forms L313I.
Identifiers: ClinVar variation 4540777 (VCV004540777.1).

ClinVar aggregate classification (germline): Uncertain significance (1 of 4 stars; one submission).

gnomAD v4.1: 2 of 1,613,886 alleles (0.00012%); highest among the groups gnomAD compares: African/African-American, 0.0013%; no homozygotes.

Submission:

Mayo Clinic Laboratories, Mayo Clinic
Classification: Uncertain significance. Last evaluated: 2025-10-15. Review status: criteria provided, single submitter. Criteria: ACMG Guidelines, 2015. Collection method: clinical testing. Allele origin: germline. Observed: 1 variant allele.
Comment: BP4, PM2_supporting